The following is an entry in ClinVar:

ClinVar aggregate classification (germline): Uncertain significance (1 of 4 stars; one submission).

Allele frequency attached by ClinVar (database versions not stated): gnomAD exomes below 0.00001.
gnomAD v4.1: 1 of 1,612,352 alleles (0.000062%); highest among the groups gnomAD compares: Admixed American, 0.0017%; no homozygotes.

Submission:

Labcorp Genetics (formerly Invitae), Labcorp
Classification: Uncertain significance. Last evaluated: 2021-08-20. Review status: criteria provided, single submitter. Criteria: Invitae Variant Classification Sherloc (09022015). Collection method: clinical testing. Allele origin: germline.
Comment: This sequence change replaces glycine with serine at codon 299 of the AGPS protein (p.Gly299Ser). The glycine residue is highly conserved and there is a small physicochemical difference between glycine and serine. This variant is not present in population databases (ExAC no frequency). This variant has not been reported in the literature in individuals affected with AGPS-related conditions. Algorithms developed to predict the effect of missense changes on protein structure and function are either unavailable or do not agree on the potential impact of this missense change (SIFT: "Deleterious"; PolyPhen-2: "Probably Damaging"; Align-GVGD: "Class C0"). In summary, the available evidence is currently insufficient to determine the role of this variant in disease. Therefore, it has been classified as a Variant of Uncertain Significance.

NM_003659.4(AGPS):c.895G>A (p.Gly299Ser)

Gene: AGPS (alkylglycerone phosphate synthase; plus strand). Cytogenetic location: 2q31.2.
Variant type: single nucleotide variant.
Coding change: c.895G>A on transcript NM_003659.4 (MANE Select); coding-DNA position 895, G replaced by A.
Protein change: p.Gly299Ser; replaces glycine 299 with serine.
Molecular consequence: missense variant.
Genome position (GRCh38, 1-based): chr2:177,461,917, G>A. VCF-style: chr2-177461917-G-A. GRCh37 (hg19) VCF-style: chr2-178326645-G-A.
Other names: short protein forms G299S.
Identifiers: ClinVar variation 1034902 (VCV001034902.2), dbSNP rs1181801479, ClinGen allele CA349704325.
Genomic context (GRCh38, chr2:177,461,917, plus strand): 5'-ATTTTCACTGTAAAATGTTAAATTTTTGTTTTTCAGCTTAAAGAAAGTGGTTATTGTACA[G>A]GTCATGAACCAGATTCCCTGGAGTTCAGTACTGTAGGAGGATGGGTATCTACTCGCGCAT-3'
Protein context (NP_003650.1, residues 289-309): RQLKESGYCT[Gly299Ser]HEPDSLEFST